The following is an entry in ClinVar:

NM_001098426.2(SMARCD2):c.46C>T (p.Pro16Ser)

Genes: SMARCD2 (SWI/SNF related BAF chromatin remodeling complex subunit D2; minus strand), LOC130061409 (ATAC-STARR-seq lymphoblastoid silent region 8832; plus strand). Cytogenetic location: 17q23.3.
Variant type: single nucleotide variant.
Coding change: c.46C>T on transcript NM_001098426.2 (MANE Select); coding-DNA position 46, C replaced by T.
Protein change: p.Pro16Ser; replaces proline 16 with serine.
Molecular consequence: missense variant.
Genome position (GRCh38, 1-based): chr17:63,842,629, G>A on the plus strand (C>T on the coding strand, the complement: SMARCD2 is on the minus strand). VCF-style: chr17-63842629-G-A. GRCh37 (hg19) VCF-style: chr17-61919989-G-A.
Other names: short protein forms P16S.
Identifiers: ClinVar variation 1928028 (VCV001928028.5), dbSNP rs1904517406, ClinGen allele CA400602330.

ClinVar aggregate classification (germline): Uncertain significance (1 of 4 stars; one submission).

Allele frequency attached by ClinVar (database versions not stated): gnomAD exomes 0.00001.
gnomAD v4.1: 8 of 1,249,360 alleles (0.00064%); highest among the groups gnomAD compares: Non-Finnish European, 0.0008%; no homozygotes.

Submission:

Labcorp Genetics (formerly Invitae), Labcorp
Classification: Uncertain significance. Last evaluated: 2022-01-21. Review status: criteria provided, single submitter. Criteria: Invitae Variant Classification Sherloc (09022015). Collection method: clinical testing. Allele origin: germline.
Comment: In summary, the available evidence is currently insufficient to determine the role of this variant in disease. Therefore, it has been classified as a Variant of Uncertain Significance. Algorithms developed to predict the effect of missense changes on protein structure and function are either unavailable or do not agree on the potential impact of this missense change (SIFT: "Deleterious"; PolyPhen-2: "Not Available"; Align-GVGD: "Class C0"). This variant has not been reported in the literature in individuals affected with SMARCD2-related conditions. This variant is not present in population databases (gnomAD no frequency). This sequence change replaces proline, which is neutral and non-polar, with serine, which is neutral and polar, at codon 16 of the SMARCD2 protein (p.Pro16Ser).